The following is an entry in ClinVar:

NM_178014.4(TUBB):c.277+11C>T

Gene: TUBB (tubulin beta class I; plus strand). Cytogenetic location: 6p21.33.
Variant type: single nucleotide variant.
Coding change: c.277+11C>T on transcript NM_178014.4 (MANE Select); 11 bases into the intron after coding-DNA position 277, C replaced by T.
Molecular consequence: intron variant.
Genome position (GRCh38, 1-based): chr6:30,723,039, C>T. VCF-style: chr6-30723039-C-T. GRCh37 (hg19) VCF-style: chr6-30690816-C-T.
Other names: c.277+11C>T (NM_001293213.2); c.145+11C>T (NM_001293214.2); c.337+11C>T (NM_001293212.2); c.61+11C>T (NM_001293215.2, NM_001293216.2).
Identifiers: ClinVar variation 380935 (VCV000380935.1), dbSNP rs25526, ClinGen allele CA3703509.

ClinVar aggregate classification (germline): Benign (1 of 4 stars; one submission).

Allele frequency attached by ClinVar (database versions not stated): 1000 Genomes Project 30x 0.00828; ExAC 0.00943; gnomAD exomes 0.00955 and 0.01342; 1000 Genomes Project 0.00978; gnomAD 0.01357 and 0.01448; TOPMed 0.01543; ESP Exome Variant Server 0.01659.
gnomAD v4.1: 21,574 of 1,596,360 alleles (1.4%); highest among the groups gnomAD compares: African/African-American, 2.1%; 167 homozygotes.

Submission:

GeneDx
Classification: Benign. Last evaluated: 2016-11-25. Review status: criteria provided, single submitter. Criteria: GeneDx Variant Classification (06012015). Collection method: clinical testing. Allele origin: germline. Affected: yes.
Comment: This variant is considered likely benign or benign based on one or more of the following criteria: it is a conservative change, it occurs at a poorly conserved position in the protein, it is predicted to be benign by multiple in silico algorithms, and/or has population frequency not consistent with disease.